The following is an entry in ClinVar:

ClinVar aggregate classification (germline): Conflicting classifications of pathogenicity. Review status: criteria provided, conflicting classifications (1 of 4 stars). 3 submissions from 3 submitters: Pathogenic (1); Likely pathogenic (1); Uncertain significance (1). Last evaluated 2025-05-25.
ClinVar aggregate classification (somatic clinical impact): Tier II - Potential (1 of 4 stars; one submission).
ClinVar aggregate classification (oncogenicity): Likely oncogenic (1 of 4 stars; one submission).

Conditions:
Noonan syndrome 7 (NS7). Also called: BRAF-Related Noonan Syndrome. Identifiers: Orphanet 648, MedGen C3150970, MONDO:0013379, OMIM 613706.
RASopathy. Also called: rasopathies; Noonan spectrum disorder. Identifiers: Orphanet 536391, MedGen C5555857, MONDO:0021060.
Epidermal nevus. Also called: NEVUS, KERATINOCYTIC, NONEPIDERMOLYTIC; Nevus, epidermal, somatic. Identifiers: Orphanet 79414, MedGen C0334082, MONDO:0008093, OMIM 162900, HP:0010816.
Embryonal rhabdomyosarcoma (ERMS). Also called: Botryoid rhabdomyosarcoma (type of ERMS); Spindle cell rhabdomyosarcomas (type of ERMS). Identifiers: Orphanet 99757, MedGen C0206656, MONDO:0009993, HP:0006743.
Neoplasm. Also called: tumor; Neoplasms; Neoplasm (disease). Identifiers: MedGen C0027651, MeSH D009369, MONDO:0005070, HP:0002664.

Submissions (5):

Center for Genomic Medicine, Rigshospitalet, Copenhagen University Hospital
Classification: Likely oncogenic for Neoplasm. Last evaluated: 2026-10-16. Review status: criteria provided, single submitter. Criteria: ClinGen/CGC/VICC Guidelines for Oncogenicity, 2022. Collection method: clinical testing. Allele origin: somatic. Affected: yes.

Clinical Genomics Laboratory, Washington University in St. Louis
Classification: Pathogenic for Epidermal nevus. Last evaluated: 2025-05-25. Review status: criteria provided, single submitter. Criteria: Leon-Quintero et al. (Clin Genet. 2025). Collection method: clinical testing. Allele origin: somatic.
Comment: A BRAF c.1397G>A (p.Gly466Glu) variant, also published as p.Gly465Glu, was identified at an allelic fraction consistent with somatic origin. This variant, to our knowledge, has not been reported in individuals with epidermal nevi, but has been reported in several melanoma and non-melanoma cancers in a somatic state (Greaves WO et al., PMID: 23273605; Lim B et al., PMID: 26811494; Van Allen EM et al., PMID: 26359337) as well as in one individual with cardiofaciocutaneous syndrome in a germline state (Siegel DH et al., PMID: 21062266). This variant has been reported in the ClinVar database as likely pathogenic by one submitter and as a variant of uncertain significance by one submitter in the germline state (ClinVar Variation ID: 376073). This variant is reported in numerous cases in the cancer database COSMIC (Genomic Mutation ID: COSV56059390). This variant is observed only on 1/1,614,060 alleles in the general population (gnomAD v4.1.0), indicating it is not a common variant. The BRAF c.1397G>A (p.Gly466Glu) variant resides within a P-loop, amino acids 459-474, of BRAF that is defined as a critical functional domain (Gelb BD et al., PMID: 29493581). Computational predictors indicate that the variant is damaging, evidence that correlates with impact to BRAF function. In support of this prediction, functional studies show the p.Gly466Glu variant is inactivating and induces ERK phosphorylation in vitro and in vivo in cancer derived cells (Houben R et al., PMID: 15046639; Wan PT et al., PMID: 15035987). The BRAF gene is defined by the ClinGen's RASopathy expert panel as a gene that has a low rate of benign missense variation and where pathogenic missense variants are a common mechanism of disease (Gelb BD et al., PMID: 29493581). Based on available information and an internally developed protocol informed by the ACMG/AMP guidelines for variant interpretation and gene-specific practices from the ClinGen Criteria Specification Registry (Leon-Quintero FZ et al., PMID: 39434542), the BRAF c.1397G>A (p.Gly466Glu) variant is classified as pathogenic.

Institute for Genomic Medicine (IGM) Clinical Laboratory, Nationwide Children's Hospital
Classification: Tier II - Potential for Embryonal rhabdomyosarcoma. Assertion type: diagnostic. Clinical significance: supports diagnosis. Last evaluated: 2025-03-31. Review status: criteria provided, single submitter. Criteria: AMP/ASCO/CAP Guidelines, 2017. Collection method: clinical testing. Allele origin: somatic. Affected: yes.
Comment: Variant has Tier II (potential) clinical significance as a diagnostic inclusion criterion in embryonal rhabdomyosarcoma, based on the following evidence: 1) Documented in one or more cancer databases (e.g., St. Jude Pecan, COSMIC, CIViC, OncoKB). 2) Information in the literature supports potential biologic effect of variant (PMIDs: 15035987, 28783719). 3) Diagnostic significance based on multiple small studies (Evidence Level C; PMIDs: 22142829, 34755412, 37392767).

Kasturba Medical College, Manipal, Kasturba Medical College, Manipal, Manipal Academy of Higher Education, Manipal, India
Classification: Likely pathogenic for Noonan syndrome 7. Last evaluated: 2023-01-23. Review status: criteria provided, single submitter. Criteria: ACMG Guidelines, 2015. Collection method: clinical testing. Allele origin: de novo. Affected: yes.

Labcorp Genetics (formerly Invitae), Labcorp
Classification: Uncertain significance for RASopathy. Last evaluated: 2021-02-14. Review status: criteria provided, single submitter. Criteria: Invitae Variant Classification Sherloc (09022015). Collection method: clinical testing. Allele origin: germline.
Comment: This sequence change replaces glycine with glutamic acid at codon 466 of the BRAF protein (p.Gly466Glu). The glycine residue is highly conserved and there is a moderate physicochemical difference between glycine and glutamic acid. This variant is not present in population databases (ExAC no frequency). This variant has been observed in individual(s) with cardio-facio-cutaneous syndrome (PMID: 21062266). ClinVar contains an entry for this variant (Variation ID: 376073). Advanced modeling of protein sequence and biophysical properties (such as structural, functional, and spatial information, amino acid conservation, physicochemical variation, residue mobility, and thermodynamic stability) performed at Invitae indicates that this missense variant is expected to disrupt BRAF protein function. This variant disrupts the p.Gly466 amino acid residue in BRAF. Other variant(s) that disrupt this residue have been observed in individuals with BRAF-related conditions (PMID: 31336229), which suggests that this may be a clinically significant amino acid residue. In summary, the available evidence is currently insufficient to determine the role of this variant in disease. Therefore, it has been classified as a Variant of Uncertain Significance.

Literature cited by the submitters: PubMed 15035987 (cited by Institute for Genomic Medicine (IGM) Clinical Laboratory, Nationwide Children's Hospital); PubMed 28783719 (cited by Institute for Genomic Medicine (IGM) Clinical Laboratory, Nationwide Children's Hospital); PubMed 22142829 (cited by Institute for Genomic Medicine (IGM) Clinical Laboratory, Nationwide Children's Hospital); PubMed 34755412 (cited by Institute for Genomic Medicine (IGM) Clinical Laboratory, Nationwide Children's Hospital); PubMed 37392767 (cited by Institute for Genomic Medicine (IGM) Clinical Laboratory, Nationwide Children's Hospital); PubMed 21062266 (cited by Labcorp Genetics (formerly Invitae), Labcorp); PubMed 31336229 (cited by Labcorp Genetics (formerly Invitae), Labcorp).

NM_004333.6(BRAF):c.1397G>A (p.Gly466Glu)

Gene: BRAF (B-Raf proto-oncogene, serine/threonine kinase; minus strand). Cytogenetic location: 7q34.
Variant type: single nucleotide variant.
Coding change: c.1397G>A on transcript NM_004333.6 (MANE Select); coding-DNA position 1397, G replaced by A.
Protein change: p.Gly466Glu; replaces glycine 466 with glutamic acid.
Molecular consequence: missense variant.
Genome position (GRCh38, 1-based): chr7:140,781,611, C>T on the plus strand (G>A on the coding strand, the complement: BRAF is on the minus strand). VCF-style: chr7-140781611-C-T. GRCh37 (hg19) VCF-style: chr7-140481411-C-T.
Other names: c.1397G>A, p.Gly466Glu (NM_001354609.2, NM_001378468.1, NM_001378474.1); c.1517G>A, p.Gly506Glu (NM_001374244.1, NM_001374258.1); c.1406G>A, p.Gly469Glu (NM_001378467.1); c.1331G>A, p.Gly444Glu (NM_001378469.1); c.1295G>A, p.Gly432Glu (NM_001378470.1); c.1286G>A, p.Gly429Glu (NM_001378471.1); c.1241G>A, p.Gly414Glu (NM_001378472.1, NM_001378473.1); c.1133G>A, p.Gly378Glu (NM_001378475.1); short protein forms G466E, G378E, G414E, G429E, G432E, G444E, G469E, G506E.
Identifiers: ClinVar variation 376073 (VCV000376073.13), dbSNP rs121913351, ClinGen allele CA16602535.